The following is an entry in ClinVar:

NM_004366.6(CLCN2):c.936C>G (p.Leu312=)

Gene: CLCN2 (chloride voltage-gated channel 2; minus strand). Cytogenetic location: 3q27.1.
Variant type: single nucleotide variant.
Coding change: c.936C>G on transcript NM_004366.6 (MANE Select); coding-DNA position 936, C replaced by G.
Protein change: p.Leu312=; no amino-acid change (leucine 312 retained).
Molecular consequence: synonymous variant.
Genome position (GRCh38, 1-based): chr3:184,357,229, G>C on the plus strand (C>G on the coding strand, the complement: CLCN2 is on the minus strand). VCF-style: chr3-184357229-G-C. GRCh37 (hg19) VCF-style: chr3-184075017-G-C.
Other names: c.936C>G, p.Leu312= (NM_001171087.3, NM_001171089.3); c.804C>G, p.Leu268= (NM_001171088.3).
Identifiers: ClinVar variation 767451 (VCV000767451.36), dbSNP rs41266267, ClinGen allele CA2734295.

ClinVar aggregate classification (germline): Likely benign. Review status: criteria provided, multiple submitters, no conflicts (2 of 4 stars). 4 submissions from 4 submitters: Likely benign (4). Last evaluated 2026-01-01.

Conditions:
Familial hyperaldosteronism type II. Also called: FH II. Identifiers: Orphanet 404, MedGen C1854107, MONDO:0011576, OMIM 605635.
Epilepsy, idiopathic generalized, susceptibility to, 11 (EIG11). Identifiers: Orphanet 307, MedGen C2750893, MONDO:0011875, OMIM 607628.
Leukoencephalopathy with mild cerebellar ataxia and white matter edema (LKPAT). Also called: CLCN2-Related Leukoencephalopathy; Leukoencephalopathy with white matter edema; Brain white matter edema; Leukoencephalopathy with ataxia. Identifiers: Orphanet 363540, MedGen C4554120, MONDO:0014292, OMIM 615651. Disease mechanism: loss of function.

Allele frequency attached by ClinVar (database versions not stated): gnomAD 0.00016; ExAC 0.00022; ESP Exome Variant Server 0.00023; TOPMed 0.00039; 1000 Genomes Project 0.00040; 1000 Genomes Project 30x 0.00062.
gnomAD v4.1: 618 of 1,613,974 alleles (0.038%); highest among the groups gnomAD compares: Non-Finnish European, 0.048%; no homozygotes.

Submissions (4):

CeGaT Center for Human Genetics Tuebingen
Classification: Likely benign. Last evaluated: 2026-01-01. Review status: criteria provided, single submitter. Criteria: CeGaT Center For Human Genetics Tuebingen Variant Classification Criteria Version 2. Collection method: clinical testing. Allele origin: germline. Affected: yes. Observed: 3 variant alleles.
Comment: CLCN2: BP4, BP7

Labcorp Genetics (formerly Invitae), Labcorp
Classification: Likely benign. Last evaluated: 2025-07-28. Review status: criteria provided, single submitter. Criteria: Invitae Variant Classification Sherloc (09022015). Collection method: clinical testing. Allele origin: germline.

Blueprint Genetics
Classification: Likely benign. Last evaluated: 2024-08-16. Review status: criteria provided, single submitter. Criteria: ACMG Guidelines, 2015. Collection method: clinical testing. Allele origin: germline.

Fulgent Genetics
Classification: Likely benign for Familial hyperaldosteronism type II; Epilepsy, idiopathic generalized, susceptibility to, 11; Leukoencephalopathy with mild cerebellar ataxia and white matter edema. Last evaluated: 2021-10-15. Review status: criteria provided, single submitter. Criteria: ACMG Guidelines, 2015. Collection method: clinical testing. Allele origin: unknown.